The following is an entry in ClinVar:

ClinVar aggregate classification (germline): Uncertain significance (1 of 4 stars; one submission).

gnomAD v4.1: 6 of 1,601,294 alleles (0.00037%); highest among the groups gnomAD compares: Non-Finnish European, 0.00051%; no homozygotes.

Submission:

GeneDx
Classification: Uncertain significance. Last evaluated: 2023-06-07. Review status: criteria provided, single submitter. Criteria: GeneDx Variant Classification Process June 2021. Collection method: clinical testing. Allele origin: germline. Affected: yes.
Comment: Not observed at significant frequency in large population cohorts (gnomAD); In silico analysis suggests this variant may impact gene splicing. In the absence of RNA/functional studies, the actual effect of this sequence change is unknown.; Has not been previously published as pathogenic or benign to our knowledge

NM_001128431.4(SLC39A14):c.939+6T>C

Gene: SLC39A14 (solute carrier family 39 member 14; plus strand). Cytogenetic location: 8p21.3.
Variant type: single nucleotide variant.
Coding change: c.939+6T>C on transcript NM_001128431.4 (MANE Select); 6 bases into the intron after coding-DNA position 939, T replaced by C.
Molecular consequence: intron variant.
Genome position (GRCh38, 1-based): chr8:22,415,963, T>C. VCF-style: chr8-22415963-T-C. GRCh37 (hg19) VCF-style: chr8-22273476-T-C.
Other names: c.939+6T>C (NM_001135154.3, NM_001351656.2, NM_001351655.2 and 3 more transcripts); c.969+6T>C (NM_001351657.2, NM_001351658.2, NM_001351659.2).
Identifiers: ClinVar variation 3359533 (VCV003359533.1).